The following is an entry in ClinVar:

ClinVar aggregate classification (germline): Uncertain significance (1 of 4 stars; one submission).

Conditions:
Generalized epilepsy with febrile seizures plus, type 7 (GEFSP7). Also called: GEFS+, TYPE 7. Identifiers: Orphanet 36387, MedGen C2751778, MONDO:0013470, OMIM 613863.
Neuropathy, hereditary sensory and autonomic, type 2A (HSAN2A). Also called: MORVAN DISEASE; ACROOSTEOLYSIS, GIACCAI TYPE; ACROOSTEOLYSIS, NEUROGENIC; NEUROPATHY, CONGENITAL SENSORY; NEUROPATHY, HEREDITARY SENSORY RADICULAR, AUTOSOMAL RECESSIVE; NEUROPATHY, HEREDITARY SENSORY, TYPE IIA. Identifiers: Orphanet 970, MedGen C2752089, MONDO:0024309, OMIM 201300.

Allele frequency attached by ClinVar (database versions not stated): gnomAD exomes below 0.00001; TOPMed below 0.00001; ExAC 0.00001.
gnomAD v4.1: 2 of 1,613,824 alleles (0.00012%); highest among the groups gnomAD compares: Admixed American, 0.0033%; no homozygotes.

Submission:

Labcorp Genetics (formerly Invitae), Labcorp
Classification: Uncertain significance for Neuropathy, hereditary sensory and autonomic, type 2A; Generalized epilepsy with febrile seizures plus, type 7. Last evaluated: 2023-12-06. Review status: criteria provided, single submitter. Criteria: Invitae Variant Classification Sherloc (09022015). Collection method: clinical testing. Allele origin: germline.
Comment: This sequence change replaces lysine, which is basic and polar, with arginine, which is basic and polar, at codon 1375 of the SCN9A protein (p.Lys1375Arg). This variant is present in population databases (rs749879117, gnomAD 0.003%). This variant has not been reported in the literature in individuals affected with SCN9A-related conditions. ClinVar contains an entry for this variant (Variation ID: 1365172). Advanced modeling of protein sequence and biophysical properties (such as structural, functional, and spatial information, amino acid conservation, physicochemical variation, residue mobility, and thermodynamic stability) performed at Invitae indicates that this missense variant is not expected to disrupt SCN9A protein function with a negative predictive value of 95%. In summary, the available evidence is currently insufficient to determine the role of this variant in disease. Therefore, it has been classified as a Variant of Uncertain Significance.

NM_001365536.1(SCN9A):c.4157A>G (p.Lys1386Arg)

Genes: SCN9A (sodium voltage-gated channel alpha subunit 9; minus strand), SCN1A-AS1 (SCN1A and SCN9A antisense RNA 1; plus strand). Cytogenetic location: 2q24.3.
Variant type: single nucleotide variant.
Coding change: c.4157A>G on transcript NM_001365536.1 (MANE Select); coding-DNA position 4157, A replaced by G.
Protein change: p.Lys1386Arg; replaces lysine 1386 with arginine.
Molecular consequence: missense variant.
Genome position (GRCh38, 1-based): chr2:166,228,740, T>C on the plus strand (A>G on the coding strand, the complement: SCN9A is on the minus strand). VCF-style: chr2-166228740-T-C. GRCh37 (hg19) VCF-style: chr2-167085250-T-C.
Other names: c.4124A>G, p.Lys1375Arg (NM_002977.4); short protein forms K1375R, K1386R.
Identifiers: ClinVar variation 1365172 (VCV001365172.6), dbSNP rs749879117, ClinGen allele CA1943939.